The following is an entry in ClinVar:

NM_005732.4(RAD50):c.8G>A (p.Arg3Gln)

Gene: RAD50 (RAD50 double strand break repair protein; plus strand). Cytogenetic location: 5q31.1.
Variant type: single nucleotide variant.
Coding change: c.8G>A on transcript NM_005732.4 (MANE Select); coding-DNA position 8, G replaced by A.
Protein change: p.Arg3Gln; replaces arginine 3 with glutamine.
Molecular consequence: missense variant.
Genome position (GRCh38, 1-based): chr5:132,557,332, G>A. VCF-style: chr5-132557332-G-A. GRCh37 (hg19) VCF-style: chr5-131893024-G-A.
Other names: short protein forms R3Q.
Identifiers: ClinVar variation 1052755 (VCV001052755.9), dbSNP rs1277596729, ClinGen allele CA360950701.

ClinVar aggregate classification (germline): Uncertain significance (1 of 4 stars; one submission).

Conditions:
Hereditary cancer-predisposing syndrome. Also called: Tumor predisposition; Hereditary neoplastic syndrome; Hereditary Cancer Syndrome; Neoplastic Syndromes, Hereditary. Identifiers: Orphanet 140162, MedGen C0027672, MeSH D009386, MONDO:0015356.

gnomAD v4.1: 1 of 1,614,134 alleles (0.000062%); highest among the groups gnomAD compares: Non-Finnish European, 0.000085%; no homozygotes.

Submission:

Labcorp Genetics (formerly Invitae), Labcorp
Classification: Uncertain significance for Hereditary cancer-predisposing syndrome. Last evaluated: 2021-04-08. Review status: criteria provided, single submitter. Criteria: Invitae Variant Classification Sherloc (09022015). Collection method: clinical testing. Allele origin: germline.
Comment: In summary, the available evidence is currently insufficient to determine the role of this variant in disease. Therefore, it has been classified as a Variant of Uncertain Significance. Algorithms developed to predict the effect of sequence changes on RNA splicing suggest that this variant may create or strengthen a splice site, but this prediction has not been confirmed by published transcriptional studies. Algorithms developed to predict the effect of missense changes on protein structure and function (SIFT, PolyPhen-2, Align-GVGD) all suggest that this variant is likely to be tolerated, but these predictions have not been confirmed by published functional studies and their clinical significance is uncertain. This variant has not been reported in the literature in individuals with RAD50-related conditions. This variant is not present in population databases (ExAC no frequency). This sequence change replaces arginine with glutamine at codon 3 of the RAD50 protein (p.Arg3Gln). The arginine residue is weakly conserved and there is a small physicochemical difference between arginine and glutamine.